The following is an entry in ClinVar:

ClinVar aggregate classification (germline): Uncertain significance (1 of 4 stars; one submission).

Submission:

Labcorp Genetics (formerly Invitae), Labcorp
Classification: Uncertain significance. Last evaluated: 2025-11-24. Review status: criteria provided, single submitter. Criteria: Invitae Variant Classification Sherloc (09022015). Collection method: clinical testing. Allele origin: germline.
Comment: This sequence change falls in intron 19 of the LZTR1 gene. It does not directly change the encoded amino acid sequence of the LZTR1 protein. It affects a nucleotide within the consensus splice site. This variant is not present in population databases (gnomAD no frequency). This variant has not been reported in the literature in individuals affected with LZTR1-related conditions. Variants that disrupt the consensus splice site are a relatively common cause of aberrant splicing (PMID: 17576681, 9536098). Algorithms developed to predict the effect of sequence changes on RNA splicing suggest that this variant is not likely to affect RNA splicing. In summary, the available evidence is currently insufficient to determine the role of this variant in disease. Therefore, it has been classified as a Variant of Uncertain Significance.

Literature cited by the submitters: PubMed 17576681; PubMed 9536098.

NM_006767.4(LZTR1):c.2325+6C>G

Gene: LZTR1 (leucine zipper like post translational regulator 1; plus strand). Cytogenetic location: 22q11.21.
Variant type: single nucleotide variant.
Coding change: c.2325+6C>G on transcript NM_006767.4 (MANE Select); 6 bases into the intron after coding-DNA position 2325, C replaced by G.
Molecular consequence: intron variant.
Genome position (GRCh38, 1-based): chr22:20,996,807, C>G. VCF-style: chr22-20996807-C-G. GRCh37 (hg19) VCF-style: chr22-21351096-C-G.
Identifiers: ClinVar variation 4731856 (VCV004731856.1).
Genomic context (GRCh38, chr22:20,996,807, plus strand): 5'-GGCGTACTGCAAGCAGAACCTGGAGATGAACGTGACGGTGCAGAACGTGCTGCAGGTAGC[C>G]CCCCAGCCCCGTGCACATGGCTGCAGCTCCCACTGAGTGGGTGAAAGGGGCAGCGCCTCA-3'